The following is an entry in ClinVar:

ClinVar aggregate classification (germline): Conflicting classifications of pathogenicity. Review status: criteria provided, conflicting classifications (1 of 4 stars). 2 submissions from 2 submitters: Uncertain significance (1); Likely benign (1). Last evaluated 2026-07-28.

Allele frequency attached by ClinVar (database versions not stated): TOPMed 0.00023; ESP Exome Variant Server 0.00038; gnomAD 0.00028 and 0.00029; ExAC 0.00017; 1000 Genomes Project 0.00020; gnomAD exomes 0.00032 and 0.00026; 1000 Genomes Project 30x 0.00016.

Submissions (2):

Ambry Genetics
Classification: Likely benign. Last evaluated: 2026-07-28. Review status: criteria provided, single submitter. Criteria: Ambry Variant Classification Scheme 2023. Collection method: clinical testing. Allele origin: germline.

Labcorp Genetics (formerly Invitae), Labcorp
Classification: Uncertain significance. Last evaluated: 2026-02-03. Review status: criteria provided, single submitter. Criteria: Invitae Variant Classification Sherloc (09022015). Collection method: clinical testing. Allele origin: germline.
Comment: This sequence change replaces glutamic acid, which is acidic and polar, with lysine, which is basic and polar, at codon 481 of the MYLK3 protein (p.Glu481Lys). This variant is present in population databases (rs145205288, gnomAD 0.05%), and has an allele count higher than expected for a pathogenic variant. This variant has not been reported in the literature in individuals affected with MYLK3-related conditions. ClinVar contains an entry for this variant (Variation ID: 1366959). An algorithm developed to predict the effect of missense changes on protein structure and function outputs the following: PolyPhen-2: "Benign". The lysine amino acid residue is found in multiple mammalian species, which suggests that this missense change does not adversely affect protein function. In summary, the available evidence is currently insufficient to determine the role of this variant in disease. Therefore, it has been classified as a Variant of Uncertain Significance.

NM_182493.3(MYLK3):c.1441G>A (p.Glu481Lys)

Gene: MYLK3 (myosin light chain kinase 3; minus strand). Cytogenetic location: 16q11.2.
Variant type: single nucleotide variant.
Coding change: c.1441G>A on transcript NM_182493.3 (MANE Select); coding-DNA position 1441, G replaced by A.
Protein change: p.Glu481Lys; replaces glutamic acid 481 with lysine.
Molecular consequence: missense variant.
Genome position (GRCh38, 1-based): chr16:46,732,229, C>T on the plus strand (G>A on the coding strand, the complement: MYLK3 is on the minus strand). VCF-style: chr16-46732229-C-T. GRCh37 (hg19) VCF-style: chr16-46766141-C-T.
Other names: c.1441G>A (NM_182493.2); c.418G>A, p.Glu140Lys (NM_001308301.1); short protein forms E140K, E481K.
Identifiers: ClinVar variation 1366959 (VCV001366959.8), dbSNP rs145205288, ClinGen allele CA8037988.
Genomic context (GRCh38, chr16:46,732,229, plus strand): 5'-CTCAGGGCTCGTGTCTAGCCAGGCAACAGCCCCACTTACCCAGAACCACGCTGCCAGCCT[C>T]GGCGCCTGGGGGCATCCTCCTTACTGCTTCAGCTCTCACCGGAGCCCTGGCTGCACAGTC-3'
Protein context (NP_872299.2, residues 471-491): EAVRRMPPGA[Glu481Lys]AGSVVLDDSP